The following is an entry in ClinVar:

ClinVar aggregate classification (germline): Uncertain significance. Review status: criteria provided, multiple submitters, no conflicts (2 of 4 stars). 3 submissions from 3 submitters: Uncertain significance (2). 1 of the submissions does not count toward it. Last evaluated 2025-05-03.

Conditions:
Leber congenital amaurosis (LCA). Also called: Leber's amaurosis. Identifiers: Orphanet 65, MedGen C0339527, MeSH D057130, MONDO:0018998.
CEP290-related disorder. Also called: CEP290-related condition; CEP290-related disorders. Identifiers: MedGen CN239314.
Nephronophthisis. Also called: Juvenile Nephronophthisis. Identifiers: Orphanet 655, MedGen C0687120, MONDO:0019005, HP:0000090.
Meckel-Gruber syndrome. Also called: GRUBER SYNDROME; DYSENCEPHALIA SPLANCHNOCYSTICA; Dysencephalia splachnocystica. Identifiers: Orphanet 564, MedGen C0265215, MONDO:0018921.
Joubert syndrome. Also called: Familial aplasia of the vermis; JOUBERT-BOLTSHAUSER SYNDROME. Identifiers: Orphanet 475, MedGen C5979921, MONDO:0018772.

Allele frequency attached by ClinVar (database versions not stated): gnomAD exomes below 0.00001; TOPMed below 0.00001; gnomAD 0.00001.
gnomAD v4.1: 4 of 1,537,654 alleles (0.00026%); highest among the groups gnomAD compares: East Asian, 0.0023%; no homozygotes.

Submissions (3):

PreventionGenetics, part of Exact Sciences
Classification: Uncertain significance for CEP290-related condition. Last evaluated: 2025-05-03. Review status: criteria provided, single submitter. Criteria: ACMG Guidelines, 2015. Collection method: clinical testing. Allele origin: germline.
Comment: The CEP290 c.7240G>A variant is predicted to result in the amino acid substitution p.Glu2414Lys. To our knowledge, this variant has not been reported in the literature or in a large population database (gnomAD), indicating this variant is rare. At this time, the clinical significance of this variant is uncertain due to the absence of conclusive functional and genetic evidence.

Labcorp Genetics (formerly Invitae), Labcorp
Classification: Uncertain significance for Joubert syndrome; Meckel-Gruber syndrome; Nephronophthisis. Last evaluated: 2021-09-01. Review status: criteria provided, single submitter. Criteria: Invitae Variant Classification Sherloc (09022015). Collection method: clinical testing. Allele origin: germline.
Comment: This sequence change replaces glutamic acid with lysine at codon 2414 of the CEP290 protein (p.Glu2414Lys). The glutamic acid residue is moderately conserved and there is a small physicochemical difference between glutamic acid and lysine. This variant is not present in population databases (ExAC no frequency). This variant has not been reported in the literature in individuals affected with CEP290-related conditions. Algorithms developed to predict the effect of missense changes on protein structure and function are either unavailable or do not agree on the potential impact of this missense change (SIFT: "Deleterious"; PolyPhen-2: "Benign"; Align-GVGD: "Class C0"). In summary, the available evidence is currently insufficient to determine the role of this variant in disease. Therefore, it has been classified as a Variant of Uncertain Significance.

Natera, Inc.
Classification: Uncertain significance for Leber congenital amaurosis. Last evaluated: 2021-08-09. Review status: no assertion criteria provided. Collection method: clinical testing. Allele origin: germline. Not counted in ClinVar's aggregate classification.

NM_025114.4(CEP290):c.7240G>A (p.Glu2414Lys)

Genes: CEP290 (centrosomal protein 290; minus strand), RLIG1 (RNA 5'-phosphate and 3'-OH ligase 1; plus strand). Cytogenetic location: 12q21.32.
Variant type: single nucleotide variant.
Coding change: c.7240G>A on transcript NM_025114.4 (MANE Select); coding-DNA position 7240, G replaced by A.
Protein change: p.Glu2414Lys; replaces glutamic acid 2414 with lysine.
Molecular consequence: missense variant. On other transcripts: 3 prime UTR variant (1).
Genome position (GRCh38, 1-based): chr12:88,049,384, C>T on the plus strand (G>A on the coding strand, the complement: CEP290 is on the minus strand). VCF-style: chr12-88049384-C-T. GRCh37 (hg19) VCF-style: chr12-88443161-C-T.
Other names: c.*962C>T (NM_001009894.3); short protein forms E2414K.
Identifiers: ClinVar variation 838668 (VCV000838668.5), dbSNP rs1233939358, ClinGen allele CA385973201.
Genomic context (GRCh38, chr12:88,049,384, plus strand): 5'-CTTCCTTGTAATTATACTTAAGATCTTCAATTTCTTCAAAAAATGAAGGATCAAAATTTT[C>T]CAGTTCTTTTTTCAGCTTCTTTATTTCCTCCTAATGGAAACATTATCTTTAAAAGTTGCA-3'
Protein context (NP_079390.3, residues 2404-2424): EEIKKLKKEL[Glu2414Lys]NFDPSFFEEI